The following is an entry in ClinVar:

ClinVar aggregate classification (germline): Uncertain significance (1 of 4 stars; one submission).

Conditions:
Familial cold autoinflammatory syndrome 3 (FCAS3). Also called: FAMILIAL ATYPICAL COLD URTICARIA; ANTIBODY DEFICIENCY AND IMMUNE DYSREGULATION, PLCG2-ASSOCIATED. Identifiers: Orphanet 300359, MedGen C3280914, MONDO:0013766, OMIM 614468.

Allele frequency attached by ClinVar (database versions not stated): gnomAD exomes below 0.00001; gnomAD 0.00001; TOPMed 0.00001.
gnomAD v4.1: 3 of 1,545,150 alleles (0.00019%); highest among the groups gnomAD compares: Admixed American, 0.0017%; no homozygotes.

Submission:

Labcorp Genetics (formerly Invitae), Labcorp
Classification: Uncertain significance for Familial cold autoinflammatory syndrome 3. Last evaluated: 2021-12-24. Review status: criteria provided, single submitter. Criteria: Invitae Variant Classification Sherloc (09022015). Collection method: clinical testing. Allele origin: germline.
Comment: This sequence change falls in intron 10 of the PLCG2 gene. It does not directly change the encoded amino acid sequence of the PLCG2 protein. It affects a nucleotide within the consensus splice site. This variant is present in population databases (no rsID available, gnomAD no frequency). This variant has not been reported in the literature in individuals affected with PLCG2-related conditions. Variants that disrupt the consensus splice site are a relatively common cause of aberrant splicing (PMID: 17576681, 9536098). Algorithms developed to predict the effect of sequence changes on RNA splicing suggest that this variant may disrupt the consensus splice site. In summary, the available evidence is currently insufficient to determine the role of this variant in disease. Therefore, it has been classified as a Variant of Uncertain Significance.

Literature cited by the submitters: PubMed 17576681; PubMed 9536098.

NM_002661.5(PLCG2):c.867+5G>A

Gene: PLCG2 (phospholipase C gamma 2; plus strand). Cytogenetic location: 16q23.3.
Variant type: single nucleotide variant.
Coding change: c.867+5G>A on transcript NM_002661.5 (MANE Select); 5 bases into the intron after coding-DNA position 867, G replaced by A.
Molecular consequence: intron variant.
Genome position (GRCh38, 1-based): chr16:81,889,278, G>A. VCF-style: chr16-81889278-G-A. GRCh37 (hg19) VCF-style: chr16-81922883-G-A.
Identifiers: ClinVar variation 1369478 (VCV001369478.6), dbSNP rs1377872536, ClinGen allele CA623764520.